The following is an entry in ClinVar:

ClinVar aggregate classification (germline): Uncertain significance (1 of 4 stars; one submission).

gnomAD v4.1: 75 of 1,613,902 alleles (0.0046%); highest among the groups gnomAD compares: Middle Eastern, 0.085%; 1 homozygote.

Submission:

Labcorp Genetics (formerly Invitae), Labcorp
Classification: Uncertain significance. Last evaluated: 2026-01-07. Review status: criteria provided, single submitter. Criteria: Invitae Variant Classification Sherloc (09022015). Collection method: clinical testing. Allele origin: germline.
Comment: This sequence change creates a premature translational stop signal (p.Tyr527*) in the ADGRE2 gene. It is expected to result in an absent or disrupted protein product. However, the current clinical and genetic evidence is not sufficient to establish whether loss-of-function variants in ADGRE2 cause disease. This variant is present in population databases (rs754549569, gnomAD 0.006%). This variant has not been reported in the literature in individuals affected with ADGRE2-related conditions. ClinVar contains an entry for this variant (Variation ID: 2078577). Algorithms developed to predict the effect of sequence changes on RNA splicing suggest that this variant may disrupt the consensus splice site. In summary, the available evidence is currently insufficient to determine the role of this variant in disease. Therefore, it has been classified as a Variant of Uncertain Significance.

NM_013447.4(ADGRE2):c.1581C>A (p.Tyr527Ter)

Gene: ADGRE2 (adhesion G protein-coupled receptor E2; minus strand). Cytogenetic location: 19p13.12.
Variant type: single nucleotide variant.
Coding change: c.1581C>A on transcript NM_013447.4 (MANE Select); coding-DNA position 1581, C replaced by A.
Protein change: p.Tyr527Ter; replaces tyrosine 527 with a stop codon.
Molecular consequence: nonsense. On other transcripts: intron variant (1).
Genome position (GRCh38, 1-based): chr19:14,754,963, G>T on the plus strand (C>A on the coding strand, the complement: ADGRE2 is on the minus strand). VCF-style: chr19-14754963-G-T. GRCh37 (hg19) VCF-style: chr19-14865775-G-T.
Other names: c.1434C>A, p.Tyr478Ter (NM_152916.2); c.1302C>A, p.Tyr434Ter (NM_152917.2); c.1416+691C>A (NM_001271052.1); short protein forms Y527*, Y478*, Y434*.
Identifiers: ClinVar variation 2078577 (VCV002078577.4), dbSNP rs754549569, ClinGen allele CA9257678.
Genomic context (GRCh38, chr19:14,754,963, plus strand): 5'-ATTTGTTACACGGCAATAAATGCAGAGTGCATCCCCTCCTAAGGGTCTCACCTGCACATC[G>T]TAGTGGGCCATGAGGACGGCAAAGCTGCTCAGGTGGGTGCAACGGCAGATGGTGCTGGTG-3'